The following is an entry in ClinVar:

NM_000059.4(BRCA2):c.6374C>A (p.Thr2125Asn)

Gene: BRCA2 (BRCA2 DNA repair associated; plus strand). Cytogenetic location: 13q13.1.
Variant type: single nucleotide variant.
Coding change: c.6374C>A on transcript NM_000059.4 (MANE Select); coding-DNA position 6374, C replaced by A.
Protein change: p.Thr2125Asn; replaces threonine 2125 with asparagine.
Molecular consequence: missense variant.
Genome position (GRCh38, 1-based): chr13:32,340,729, C>A. VCF-style: chr13-32340729-C-A. GRCh37 (hg19) VCF-style: chr13-32914866-C-A.
Other names: short protein forms T2125N.
Identifiers: ClinVar variation 947329 (VCV000947329.15), dbSNP rs776937022, ClinGen allele CA6940946.

ClinVar aggregate classification (germline): Conflicting classifications of pathogenicity. Review status: criteria provided, conflicting classifications (1 of 4 stars). 4 submissions from 4 submitters: Uncertain significance (3); Likely benign (1). Last evaluated 2023-03-23.

Conditions:
Hereditary cancer-predisposing syndrome. Also called: Hereditary neoplastic syndrome; Neoplastic Syndromes, Hereditary; Tumor predisposition; Hereditary Cancer Syndrome. Identifiers: Orphanet 140162, MedGen C0027672, MeSH D009386, MONDO:0015356.
Hereditary breast ovarian cancer syndrome. Also called: Hereditary breast and/or ovarian cancer syndrome; Hereditary breast and ovarian cancer syndrome; Hereditary breast and ovarian cancer syndrome (HBOC); Breast and ovarian cancer; BRCA1- and BRCA2-Associated Hereditary Breast and Ovarian Cancer; Hereditary breast and ovarian cancer. Identifiers: Orphanet 145, MedGen C0677776, MeSH D061325, MONDO:0003582. Disease mechanism: loss of function.

Allele frequency attached by ClinVar (database versions not stated): gnomAD exomes below 0.00001; ExAC 0.00001.
gnomAD v4.1: 1 of 1,606,198 alleles (0.000062%); no homozygotes.

Submissions (4):

University of Washington Department of Laboratory Medicine, University of Washington
Classification: Likely benign for Hereditary cancer-predisposing syndrome. Last evaluated: 2023-03-23. Review status: criteria provided, single submitter. Criteria: Dines et al. (Genet Med. 2020). Collection method: curation. Allele origin: germline.
Comment: Missense variant in a coldspot region where missense variants are very unlikely to be pathogenic (PMID:31911673).

BRCA2 exon 11 coldspot. Reclassification based on statistical prior probability.

Ambry Genetics
Classification: Uncertain significance for Hereditary cancer-predisposing syndrome. Last evaluated: 2022-03-08. Review status: criteria provided, single submitter. Criteria: Ambry Variant Classification Scheme 2023. Collection method: clinical testing. Allele origin: germline.
Comment: The p.T2125N variant (also known as c.6374C>A), located in coding exon 10 of the BRCA2 gene, results from a C to A substitution at nucleotide position 6374. The threonine at codon 2125 is replaced by asparagine, an amino acid with similar properties. This amino acid position is conserved. In addition, this alteration is predicted to be tolerated by in silico analysis. Since supporting evidence is limited at this time, the clinical significance of this alteration remains unclear.

Labcorp Genetics (formerly Invitae), Labcorp
Classification: Uncertain significance for Hereditary breast ovarian cancer syndrome. Last evaluated: 2022-03-08. Review status: criteria provided, single submitter. Criteria: Invitae Variant Classification Sherloc (09022015). Collection method: clinical testing. Allele origin: germline.
Comment: This sequence change replaces threonine, which is neutral and polar, with asparagine, which is neutral and polar, at codon 2125 of the BRCA2 protein (p.Thr2125Asn). In summary, the available evidence is currently insufficient to determine the role of this variant in disease. Therefore, it has been classified as a Variant of Uncertain Significance. Advanced modeling of protein sequence and biophysical properties (such as structural, functional, and spatial information, amino acid conservation, physicochemical variation, residue mobility, and thermodynamic stability) performed at Invitae indicates that this missense variant is not expected to disrupt BRCA2 protein function. ClinVar contains an entry for this variant (Variation ID: 947329). This variant has not been reported in the literature in individuals affected with BRCA2-related conditions. This variant is present in population databases (rs776937022, gnomAD 0.005%).

GeneDx
Classification: Uncertain significance. Last evaluated: 2019-04-11. Review status: criteria provided, single submitter. Criteria: GeneDx Variant Classification Process June 2021. Collection method: clinical testing. Allele origin: germline. Affected: yes.
Comment: Not observed at a significant frequency in large population cohorts (Lek et al., 2016); Has not been previously published as pathogenic or benign to our knowledge